The following is an entry in ClinVar:

NM_024675.4(PALB2):c.390del (p.His130fs)

Gene: PALB2 (partner and localizer of BRCA2; minus strand). Cytogenetic location: 16p12.2.
Variant type: Deletion.
Coding change: c.390del on transcript NM_024675.4 (MANE Select); coding-DNA position 390, one base deleted (C; older notation c.390delC).
Protein change: p.His130fs; shifts the reading frame from histidine 130.
Molecular consequence: frameshift variant.
Genome position (GRCh38, 1-based): chr16:23,636,156, G deleted on the plus strand (C on the coding strand, the reverse complement: PALB2 is on the minus strand). VCF-style (leftmost placement, unchanged base first): chr16-23636155-TG-T. GRCh37 (hg19) VCF-style: chr16-23647476-TG-T.
Other names: short protein forms H130fs.
Identifiers: ClinVar variation 1455551 (VCV001455551.7), dbSNP rs2142444567, ClinGen allele CA2573152318.

ClinVar aggregate classification (germline): Pathogenic (1 of 4 stars; one submission).

Conditions:
Familial cancer of breast. Also called: Hereditary breast cancer; hereditary breast carcinoma; BREAST CANCER, FAMILIAL. Identifiers: Orphanet 227535, MedGen C0346153, MONDO:0016419, OMIM 114480. Disease mechanism: loss of function.

Submission:

Labcorp Genetics (formerly Invitae), Labcorp
Classification: Pathogenic for Familial cancer of breast. Last evaluated: 2021-02-18. Review status: criteria provided, single submitter. Criteria: Invitae Variant Classification Sherloc (09022015). Collection method: clinical testing. Allele origin: germline.
Comment: For these reasons, this variant has been classified as Pathogenic. This variant has not been reported in the literature in individuals with PALB2-related conditions. This variant is not present in population databases (ExAC no frequency). This sequence change creates a premature translational stop signal (p.His130Glnfs*47) in the PALB2 gene. It is expected to result in an absent or disrupted protein product. Loss-of-function variants in PALB2 are known to be pathogenic (PMID: 17200668, 24136930, 25099575).

Literature cited by the submitters: PubMed 17200668; PubMed 24136930; PubMed 25099575.